The following is an entry in ClinVar:

ClinVar aggregate classification (germline): Pathogenic (1 of 4 stars; one submission).

Submission:

Labcorp Genetics (formerly Invitae), Labcorp
Classification: Pathogenic. Last evaluated: 2023-11-13. Review status: criteria provided, single submitter. Criteria: Invitae Variant Classification Sherloc (09022015). Collection method: clinical testing. Allele origin: unknown.
Comment: This variant is a gross deletion of the genomic region encompassing exon(s) 16-23 of the MYO7A gene. This variant would be expected to be in-frame, preserving the integrity of the reading frame. This variant has not been reported in the literature in individuals affected with MYO7A-related conditions. This variant disrupts a region of the MYO7A protein in which other variant(s) (p.Arg657Trp) have been determined to be pathogenic (PMID: 24105371, 26309859, 26338283, 27460420). This suggests that this is a clinically significant region of the protein, and that variants that disrupt it are likely to be disease-causing. For these reasons, this variant has been classified as Pathogenic.

Literature cited by the submitters: PubMed 24105371; PubMed 26309859; PubMed 26338283; PubMed 27460420.

NC_000011.9:g.(?_76883774)_(76892655_?)del

Gene: MYO7A (myosin VIIA; plus strand). Cytogenetic location: 11q13.5.
Variant type: Deletion.
Identifiers: ClinVar variation 3244713 (VCV003244713.1).